The following is an entry in ClinVar:

NM_006440.5(TXNRD2):c.1445+9C>T

Gene: TXNRD2 (thioredoxin reductase 2; minus strand). Cytogenetic location: 22q11.21.
Variant type: single nucleotide variant.
Coding change: c.1445+9C>T on transcript NM_006440.5 (MANE Select); 9 bases into the intron after coding-DNA position 1445, C replaced by T.
Molecular consequence: intron variant.
Genome position (GRCh38, 1-based): chr22:19,878,081, G>A on the plus strand (C>T on the coding strand, the complement: TXNRD2 is on the minus strand). VCF-style: chr22-19878081-G-A. GRCh37 (hg19) VCF-style: chr22-19865604-G-A.
Other names: c.1442+9C>T (NM_001352300.2); c.1157+9C>T (NM_001352302.2); c.1355+9C>T (NM_001352301.2); c.1445+9C>T (NM_006440.4).
Identifiers: ClinVar variation 1109800 (VCV001109800.10), dbSNP rs533782247, ClinGen allele CA10103656.

ClinVar aggregate classification (germline): Likely benign. Review status: criteria provided, multiple submitters, no conflicts (2 of 4 stars). 2 submissions from 2 submitters: Likely benign (2). Last evaluated 2025-11-21.

Conditions:
Primary dilated cardiomyopathy (DCM). Also called: Dilated Cardiomyopathy. Identifiers: Orphanet 217604, MedGen C0007193, MeSH D002311, MONDO:0005021, HP:0001644. Inheritance: Various modes of inheritance.
TXNRD2-related disorder. Also called: TXNRD2-related condition.

Allele frequency attached by ClinVar (database versions not stated): gnomAD 0.00001; gnomAD exomes 0.00001; ExAC 0.00002; TOPMed 0.00002; 1000 Genomes Project 30x 0.00016; 1000 Genomes Project 0.00020.
gnomAD v4.1: 11 of 1,611,944 alleles (0.00068%); highest among the groups gnomAD compares: African/African-American, 0.0067%; no homozygotes.

Submissions (2):

PreventionGenetics, part of Exact Sciences
Classification: Likely benign for TXNRD2-related condition. Last evaluated: 2025-11-21. Review status: criteria provided, single submitter. Criteria: ACMG Guidelines, 2015. Collection method: clinical testing. Allele origin: germline.
Comment: This variant is classified as likely benign based on ACMG/AMP sequence variant interpretation guidelines (Richards et al. 2015 PMID: 25741868, with internal and published modifications).

Labcorp Genetics (formerly Invitae), Labcorp
Classification: Likely benign for Primary dilated cardiomyopathy. Last evaluated: 2025-03-19. Review status: criteria provided, single submitter. Criteria: Invitae Variant Classification Sherloc (09022015). Collection method: clinical testing. Allele origin: germline.